The following is an entry in ClinVar:

NM_000138.5(FBN1):c.1214C>T (p.Pro405Leu)

Gene: FBN1 (fibrillin 1; minus strand). Cytogenetic location: 15q21.1.
Variant type: single nucleotide variant.
Coding change: c.1214C>T on transcript NM_000138.5 (MANE Select); coding-DNA position 1214, C replaced by T.
Protein change: p.Pro405Leu; replaces proline 405 with leucine.
Molecular consequence: missense variant.
Genome position (GRCh38, 1-based): chr15:48,516,296, G>A on the plus strand (C>T on the coding strand, the complement: FBN1 is on the minus strand). VCF-style: chr15-48516296-G-A. GRCh37 (hg19) VCF-style: chr15-48808493-G-A.
Other names: c.1214C>T, p.Pro405Leu (NM_001406716.1); short protein forms P405L.
Identifiers: ClinVar variation 3754091 (VCV003754091.2).
Genomic context (GRCh38, chr15:48,516,296, plus strand): 5'-ATTTGAGGTCCAGGAGGAAAGCCAGGAGGAACAGGGAGAACTGGAGGAATGGGGCCAAGG[G>A]GTGGGGGAGGATATTCTGGTCTCCCAGGAATTACCATAGGAACAGAGCACAGCTTGTTGA-3'
Protein context (NP_000129.3, residues 395-415): IPGRPEYPPP[Pro405Leu]LGPIPPVLPV

ClinVar aggregate classification (germline): Uncertain significance (1 of 4 stars; one submission).

Conditions:
Marfan syndrome (MFS). Also called: MARFAN SYNDROME, TYPE I; Marfan syndrome type 1; Marfan's syndrome; Marfan syndrome, classic; FBN1-Related Marfan Syndrome. Identifiers: Orphanet 284963, Orphanet 558, MedGen C0024796, MONDO:0007947, OMIM 154700.
Familial thoracic aortic aneurysm and aortic dissection (TAAD). Also called: Thoracic aortic aneurysms and dissections. Identifiers: Orphanet 91387, MedGen C4707243, MONDO:0019625.

gnomAD v4.1: 1 of 1,613,916 alleles (0.000062%); highest among the groups gnomAD compares: Non-Finnish European, 0.000085%; no homozygotes.

Submission:

Labcorp Genetics (formerly Invitae), Labcorp
Classification: Uncertain significance for Marfan syndrome; Familial thoracic aortic aneurysm and aortic dissection. Last evaluated: 2024-04-14. Review status: criteria provided, single submitter. Criteria: Invitae Variant Classification Sherloc (09022015). Collection method: clinical testing. Allele origin: germline.
Comment: This sequence change replaces proline, which is neutral and non-polar, with leucine, which is neutral and non-polar, at codon 405 of the FBN1 protein (p.Pro405Leu). This variant is not present in population databases (gnomAD no frequency). This variant has not been reported in the literature in individuals affected with FBN1-related conditions. Advanced modeling of protein sequence and biophysical properties (such as structural, functional, and spatial information, amino acid conservation, physicochemical variation, residue mobility, and thermodynamic stability) performed at Invitae indicates that this missense variant is not expected to disrupt FBN1 protein function with a negative predictive value of 95%. In summary, the available evidence is currently insufficient to determine the role of this variant in disease. Therefore, it has been classified as a Variant of Uncertain Significance.